The following is an entry in ClinVar:

NM_001297.5(CNGB1):c.1186del (p.Arg396fs)

Gene: CNGB1 (cyclic nucleotide gated channel subunit beta 1; minus strand). Cytogenetic location: 16q21.
Variant type: Deletion.
Coding change: c.1186del on transcript NM_001297.5 (MANE Select); coding-DNA position 1186, one base deleted (C; older notation c.1186delC).
Protein change: p.Arg396fs; shifts the reading frame from arginine 396.
Molecular consequence: frameshift variant.
Genome position (GRCh38, 1-based): chr16:57,940,257, G deleted on the plus strand (C on the coding strand, the reverse complement: CNGB1 is on the minus strand); the first of 3 consecutive G bases (chr16:57,940,257-57,940,259); deleting any one gives the same sequence. VCF-style (leftmost placement, unchanged base first): chr16-57940256-CG-C. GRCh37 (hg19) VCF-style: chr16-57974160-CG-C.
Other names: c.1168del, p.Arg390fs (NM_001286130.2); short protein forms R390fs, R396fs.
Identifiers: ClinVar variation 3660841 (VCV003660841.2).

ClinVar aggregate classification (germline): Pathogenic (1 of 4 stars; one submission).

Submission:

Labcorp Genetics (formerly Invitae), Labcorp
Classification: Pathogenic. Last evaluated: 2024-07-30. Review status: criteria provided, single submitter. Criteria: Invitae Variant Classification Sherloc (09022015). Collection method: clinical testing. Allele origin: germline.
Comment: This sequence change creates a premature translational stop signal (p.Arg396Glyfs*107) in the CNGB1 gene. It is expected to result in an absent or disrupted protein product. Loss-of-function variants in CNGB1 are known to be pathogenic (PMID: 15557452, 24043777). This variant is not present in population databases (gnomAD no frequency). This variant has not been reported in the literature in individuals affected with CNGB1-related conditions. For these reasons, this variant has been classified as Pathogenic.

Literature cited by the submitters: PubMed 15557452; PubMed 24043777.